The following is an entry in ClinVar:

ClinVar aggregate classification (germline): Uncertain significance. Review status: criteria provided, multiple submitters, no conflicts (2 of 4 stars). 2 submissions from 2 submitters: Uncertain significance (2). Last evaluated 2025-09-15.

Conditions:
Aromatase deficiency. Also called: Increased aromatase activity; PSEUDOHERMAPHRODITISM, FEMALE, DUE TO PLACENTAL AROMATASE DEFICIENCY. Identifiers: Orphanet 91, MedGen C1960539, MONDO:0013301, OMIM 613546.

Allele frequency attached by ClinVar (database versions not stated): ESP Exome Variant Server 0.00008.
gnomAD v4.1: 35 of 1,609,360 alleles (0.0022%); highest among the groups gnomAD compares: Admixed American, 0.02%; no homozygotes.

Submissions (2):

Labcorp Genetics (formerly Invitae), Labcorp
Classification: Uncertain significance. Last evaluated: 2025-09-15. Review status: criteria provided, single submitter. Criteria: Invitae Variant Classification Sherloc (09022015). Collection method: clinical testing. Allele origin: germline.
Comment: This sequence change replaces valine, which is neutral and non-polar, with methionine, which is neutral and non-polar, at codon 460 of the CYP19A1 protein (p.Val460Met). This variant is present in population databases (rs372500474, gnomAD 0.03%). This missense change has been observed in individual(s) with aromatase deficiency (PMID: 32623730). ClinVar contains an entry for this variant (Variation ID: 316471). Invitae Evidence Modeling of protein sequence and biophysical properties (such as structural, functional, and spatial information, amino acid conservation, physicochemical variation, residue mobility, and thermodynamic stability) indicates that this missense variant is not expected to disrupt CYP19A1 protein function with a negative predictive value of 80%. In summary, the available evidence is currently insufficient to determine the role of this variant in disease. Therefore, it has been classified as a Variant of Uncertain Significance.

Illumina Laboratory Services, Illumina
Classification: Uncertain significance for Aromatase deficiency. Last evaluated: 2018-01-12. Review status: criteria provided, single submitter. Criteria: ICSL Variant Classification Criteria 13 December 2019. Collection method: clinical testing. Allele origin: germline.

Literature cited by the submitters: PubMed 32623730 (cited by Labcorp Genetics (formerly Invitae), Labcorp).

NM_000103.4(CYP19A1):c.1378G>A (p.Val460Met)

Genes: PIRC66 (piwi-interacting RNA cluster 66; plus strand), MIR4713HG (MIR4713 host gene; plus strand), CYP19A1 (cytochrome P450 family 19 subfamily A member 1; minus strand). Cytogenetic location: 15q21.2.
Variant type: single nucleotide variant.
Coding change: c.1378G>A on transcript NM_000103.4 (MANE Select); coding-DNA position 1378, G replaced by A.
Protein change: p.Val460Met; replaces valine 460 with methionine.
Molecular consequence: missense variant.
Genome position (GRCh38, 1-based): chr15:51,210,942, C>T on the plus strand (G>A on the coding strand, the complement: CYP19A1 is on the minus strand). VCF-style: chr15-51210942-C-T. GRCh37 (hg19) VCF-style: chr15-51503139-C-T.
Other names: c.1378G>A, p.Val460Met (NM_001347248.1, NM_001347249.2, NM_001347250.2 and 7 more transcripts); short protein forms V460M.
Identifiers: ClinVar variation 316471 (VCV000316471.6), dbSNP rs372500474, ClinGen allele CA7559791.